The following is an entry in ClinVar:

ClinVar aggregate classification (germline): Conflicting classifications of pathogenicity. Review status: criteria provided, conflicting classifications (1 of 4 stars). 4 submissions from 4 submitters: Pathogenic (1); Likely pathogenic (2); Uncertain significance (1). Last evaluated 2025-01-08.

Conditions:
Amyotrophic lateral sclerosis type 1 (ALS1). Also called: AMYOTROPHIC LATERAL SCLEROSIS 1, FAMILIAL. Identifiers: Orphanet 803, MedGen C1862939, MONDO:0007103, OMIM 105400.

Submissions (4):

Institute of Human Genetics Munich, TUM University Hospital
Classification: Pathogenic for Amyotrophic lateral sclerosis type 1. Last evaluated: 2025-01-08. Review status: criteria provided, single submitter. Criteria: Classification criteria August 2017. Collection method: clinical testing. Allele origin: germline. Inheritance: Autosomal recessive inheritance. Affected: yes. Observed: 1 variant allele.

Labcorp Genetics (formerly Invitae), Labcorp
Classification: Likely pathogenic for Amyotrophic lateral sclerosis type 1. Last evaluated: 2021-09-08. Review status: criteria provided, single submitter. Criteria: Invitae Variant Classification Sherloc (09022015). Collection method: clinical testing. Allele origin: germline.
Comment: This sequence change replaces threonine with alanine at codon 138 of the SOD1 protein (p.Thr138Ala). The threonine residue is highly conserved and there is a small physicochemical difference between threonine and alanine. This variant is not present in population databases (ExAC no frequency). This missense change has been observed in individuals with autosomal dominant amyotrophic lateral sclerosis (PMID: 21574856, 22632445, 27154192). This variant is also known as T137A. ClinVar contains an entry for this variant (Variation ID: 873202). Advanced modeling of protein sequence and biophysical properties (such as structural, functional, and spatial information, amino acid conservation, physicochemical variation, residue mobility, and thermodynamic stability) performed at Invitae indicates that this missense variant is expected to disrupt SOD1 protein function. This variant disrupts the p.Thr138 amino acid residue in SOD1. Other variant(s) that disrupt this residue have been observed in individuals with SOD1-related conditions (PMID: 20472325), which suggests that this may be a clinically significant amino acid residue. In summary, the currently available evidence indicates that the variant is pathogenic, but additional data are needed to prove that conclusively. Therefore, this variant has been classified as Likely Pathogenic.

Suna and Inan Kirac Foundation Neurodegeneration Research Laboratory, Koc University
Classification: Likely pathogenic for Amyotrophic lateral sclerosis type 1. Last evaluated: 2020-03-31. Review status: criteria provided, single submitter. Criteria: ACMG Guidelines, 2015. Collection method: research. Allele origin: germline. Affected: yes. Observed: 1 variant allele.

Athena Diagnostics
Classification: Uncertain significance. Last evaluated: 2020-02-06. Review status: criteria provided, single submitter. Criteria: Athena Diagnostics Criteria. Collection method: clinical testing. Allele origin: unknown.

Literature cited by the submitters: PubMed 21574856 (cited by Labcorp Genetics (formerly Invitae), Labcorp and Athena Diagnostics); PubMed 22632445 (cited by Labcorp Genetics (formerly Invitae), Labcorp and Athena Diagnostics); PubMed 27154192 (cited by Labcorp Genetics (formerly Invitae), Labcorp and Athena Diagnostics); PubMed 20472325 (cited by Labcorp Genetics (formerly Invitae), Labcorp).

NM_000454.5(SOD1):c.412A>G (p.Thr138Ala)

Gene: SOD1 (superoxide dismutase 1; plus strand). Cytogenetic location: 21q22.11.
Variant type: single nucleotide variant.
Coding change: c.412A>G on transcript NM_000454.5 (MANE Select); coding-DNA position 412, A replaced by G.
Protein change: p.Thr138Ala; replaces threonine 138 with alanine.
Molecular consequence: missense variant.
Genome position (GRCh38, 1-based): chr21:31,668,525, A>G. VCF-style: chr21-31668525-A-G. GRCh37 (hg19) VCF-style: chr21-33040838-A-G.
Other names: short protein forms T138A.
Identifiers: ClinVar variation 873202 (VCV000873202.13), dbSNP rs1568811445, ClinGen allele CA410037749.